The following is an entry in ClinVar:

NM_002528.7(NTHL1):c.115+3_115+5del

Gene: NTHL1 (nth like DNA glycosylase 1; minus strand). Cytogenetic location: 16p13.3.
Variant type: Deletion.
Coding change: c.115+3_115+5del on transcript NM_002528.7 (MANE Select); bases 3 to 5 of the intron after coding-DNA position 115, 3 bases deleted (AGC; older notation c.115+3_115+5delAGC).
Molecular consequence: intron variant.
Genome position (GRCh38, 1-based): chr16:2,047,704-2,047,706, GCT deleted on the plus strand (AGC on the coding strand, the reverse complement: NTHL1 is on the minus strand). VCF-style (leftmost placement, unchanged base first): chr16-2047703-CGCT-C. GRCh37 (hg19) VCF-style: chr16-2097704-CGCT-C.
Other names: c.-64+3_-64+5del (NM_001318194.2); c.115+3_115+5del (NM_001318193.2).
Identifiers: ClinVar variation 4712613 (VCV004712613.1).

ClinVar aggregate classification (germline): Uncertain significance (1 of 4 stars; one submission).

Submission:

Labcorp Genetics (formerly Invitae), Labcorp
Classification: Uncertain significance. Last evaluated: 2025-04-22. Review status: criteria provided, single submitter. Criteria: Invitae Variant Classification Sherloc (09022015). Collection method: clinical testing. Allele origin: germline.
Comment: This sequence change falls in intron 1 of the NTHL1 gene. It does not directly change the encoded amino acid sequence of the NTHL1 protein. It affects a nucleotide within the consensus splice site. This variant is not present in population databases (gnomAD no frequency). This variant has not been reported in the literature in individuals affected with NTHL1-related conditions. Variants that disrupt the consensus splice site are a relatively common cause of aberrant splicing (PMID: 17576681, 9536098). Algorithms developed to predict the effect of sequence changes on RNA splicing suggest that this variant may disrupt the consensus splice site. In summary, the available evidence is currently insufficient to determine the role of this variant in disease. Therefore, it has been classified as a Variant of Uncertain Significance.

Literature cited by the submitters: PubMed 17576681; PubMed 9536098.